The following is an entry in ClinVar:

ClinVar aggregate classification (germline): Pathogenic (1 of 4 stars; one submission).

Submission:

Labcorp Genetics (formerly Invitae), Labcorp
Classification: Pathogenic. Last evaluated: 2021-11-14. Review status: criteria provided, single submitter. Criteria: Invitae Variant Classification Sherloc (09022015). Collection method: clinical testing. Allele origin: germline.
Comment: This variant is a gross deletion of the genomic region encompassing exon(s) 3-16 of the CDH3 gene, which includes the termination codon. This deletion extends beyond the assayed region for this gene and therefore may encompass additional genes. While this deletion is not anticipated to lead to nonsense mediated decay, it is expected to alter mRNA translation or result in a truncated protein product. For these reasons, this variant has been classified as Pathogenic. This variant disrupts a region of the CDH3 protein in which other variant(s) (p.Arg503His) have been determined to be pathogenic (PMID: 12445216, 14708629, 27386845, 30710256). This suggests that this is a clinically significant region of the protein, and that variants that disrupt it are likely to be disease-causing. This variant has not been reported in the literature in individuals affected with CDH3-related conditions.

Literature cited by the submitters: PubMed 12445216; PubMed 14708629; PubMed 27386845; PubMed 30710256.

NC_000016.9:g.(?_68710268)_(68867402_?)del

Genes: CDH1 (cadherin 1; plus strand), CDH3 (cadherin 3; plus strand). Cytogenetic location: 16q22.1.
Variant type: Deletion.
Identifiers: ClinVar variation 2424246 (VCV002424246.4).